The following is an entry in ClinVar:

ClinVar aggregate classification (germline): Likely benign. Review status: criteria provided, multiple submitters, no conflicts (2 of 4 stars). 2 submissions from 2 submitters: Likely benign (2). Last evaluated 2026-05-01.

Allele frequency attached by ClinVar (database versions not stated): gnomAD exomes 0.00005 and 0.00010; ExAC 0.00012; TOPMed 0.00028; gnomAD 0.00032 and 0.00036; ESP Exome Variant Server 0.00046; 1000 Genomes Project 30x 0.00047; 1000 Genomes Project 0.00060.
gnomAD v4.1: 129 of 1,611,418 alleles (0.008%); highest among the groups gnomAD compares: African/African-American, 0.16%; no homozygotes.

Submissions (2):

CeGaT Center for Human Genetics Tuebingen
Classification: Likely benign. Last evaluated: 2026-05-01. Review status: criteria provided, single submitter. Criteria: CeGaT Center For Human Genetics Tuebingen Variant Classification Criteria Version 2. Collection method: clinical testing. Allele origin: germline. Affected: yes. Observed: 2 variant alleles.
Comment: SUZ12: BP4, BP7, BS1

Labcorp Genetics (formerly Invitae), Labcorp
Classification: Likely benign. Last evaluated: 2018-05-04. Review status: criteria provided, single submitter. Criteria: Invitae Variant Classification Sherloc (09022015). Collection method: clinical testing. Allele origin: germline.

NM_015355.4(SUZ12):c.1410C>T (p.Cys470=)

Gene: SUZ12 (SUZ12 polycomb repressive complex 2 subunit; plus strand). Cytogenetic location: 17q11.2.
Variant type: single nucleotide variant.
Coding change: c.1410C>T on transcript NM_015355.4 (MANE Select); coding-DNA position 1410, C replaced by T.
Protein change: p.Cys470=; no amino-acid change (cysteine 470 retained).
Molecular consequence: synonymous variant.
Genome position (GRCh38, 1-based): chr17:31,993,981, C>T. VCF-style: chr17-31993981-C-T. GRCh37 (hg19) VCF-style: chr17-30321000-C-T.
Other names: c.1341C>T, p.Cys447= (NM_001321207.2).
Identifiers: ClinVar variation 743194 (VCV000743194.7), dbSNP rs148296125, ClinGen allele CA8489757.